The following is an entry in ClinVar:

NM_020987.5(ANK3):c.8650G>C (p.Gly2884Arg)

Gene: ANK3 (ankyrin 3; minus strand). Cytogenetic location: 10q21.2.
Variant type: single nucleotide variant.
Coding change: c.8650G>C on transcript NM_020987.5 (MANE Select); coding-DNA position 8650, G replaced by C.
Protein change: p.Gly2884Arg; replaces glycine 2884 with arginine.
Molecular consequence: missense variant. On other transcripts: intron variant (4).
Genome position (GRCh38, 1-based): chr10:60,072,231, C>G on the plus strand (G>C on the coding strand, the complement: ANK3 is on the minus strand). VCF-style: chr10-60072231-C-G. GRCh37 (hg19) VCF-style: chr10-61831989-C-G.
Other names: c.4388-4222G>C (NM_001204403.2); c.4409-4222G>C (NM_001204404.2); c.4406-4222G>C (NM_001320874.2); c.1808-4222G>C (NM_001149.4); short protein forms G2884R.
Identifiers: ClinVar variation 1938566 (VCV001938566.5), dbSNP rs963158886, ClinGen allele CA377006851.
Genomic context (GRCh38, chr10:60,072,231, plus strand): 5'-CTCTCTCAGTCACAGACATAAATTCATTCTTTTGATCAACACTTTTACTCTCAGGGTGAC[C>G]AATGTGATTCTCTCTTACATCATGAACAAGTACATGCGAAAGTTTTTCTTTCTGAGACTT-3'
Protein context (NP_066267.2, residues 2874-2894): LVHDVRENHI[Gly2884Arg]HPESKSVDQK

ClinVar aggregate classification (germline): Uncertain significance (1 of 4 stars; one submission).

Allele frequency attached by ClinVar (database versions not stated): gnomAD 0.00001; TOPMed 0.00003.
gnomAD v4.1: 2 of 1,613,866 alleles (0.00012%); highest among the groups gnomAD compares: African/African-American, 0.0027%; no homozygotes.

Submission:

Labcorp Genetics (formerly Invitae), Labcorp
Classification: Uncertain significance. Last evaluated: 2022-08-31. Review status: criteria provided, single submitter. Criteria: Invitae Variant Classification Sherloc (09022015). Collection method: clinical testing. Allele origin: germline.
Comment: This sequence change replaces glycine, which is neutral and non-polar, with arginine, which is basic and polar, at codon 2884 of the ANK3 protein (p.Gly2884Arg). This variant is not present in population databases (gnomAD no frequency). This variant has not been reported in the literature in individuals affected with ANK3-related conditions. Algorithms developed to predict the effect of missense changes on protein structure and function are either unavailable or do not agree on the potential impact of this missense change (SIFT: "Not Available"; PolyPhen-2: "Benign"; Align-GVGD: "Not Available"). In summary, the available evidence is currently insufficient to determine the role of this variant in disease. Therefore, it has been classified as a Variant of Uncertain Significance.